The following is an entry in ClinVar:

ClinVar aggregate classification (germline): Likely pathogenic (1 of 4 stars; one submission).

Conditions:
Congenital diarrhea 5 with tufting enteropathy. Also called: INTESTINAL EPITHELIAL CELL DYSPLASIA; Congenital tufting enteropathy. Identifiers: Orphanet 92050, MedGen C2750737, MONDO:0013184, OMIM 613217.

Submission:

Aleixo Muise Laboratory, Hospital For Sick Children
Classification: Likely pathogenic for Congenital diarrhea 5 with tufting enteropathy. Last evaluated: 2024-07-05. Review status: criteria provided, single submitter. Criteria: ACMG Guidelines, 2015. Collection method: research. Allele origin: germline. Affected: yes. Observed: 1 variant allele.
Comment: PM2;PM5;PP3;PP4

NM_002354.3(EPCAM):c.83_88del (p.Val28_Cys29del)

Gene: EPCAM (epithelial cell adhesion molecule; plus strand). Cytogenetic location: 2p21.
Variant type: Deletion.
Coding change: c.83_88del on transcript NM_002354.3 (MANE Select); coding-DNA positions 83 to 88, 6 bases deleted (TCTGTG; older notation c.83_88delTCTGTG).
Protein change: p.Val28_Cys29del.
Molecular consequence: inframe deletion.
Genome position (GRCh38, 1-based): chr2:47,373,469-47,373,474, TCTGTG deleted; deleting any 6 consecutive bases within chr2:47,373,465-47,373,474 gives the same sequence; the c. name uses the placement nearest the transcript's 3' end. VCF-style (leftmost placement, unchanged base first): chr2-47373464-ATGTGTC-A. GRCh37 (hg19) VCF-style: chr2-47600603-ATGTGTC-A.
Identifiers: ClinVar variation 3255332 (VCV003255332.1).
Genomic context (GRCh38, chr2:47,373,464, plus strand): 5'-TGGGACATGAGAGTTAATAGATCCACATTTTAAAGTAGATTTTTTTTTTAATTTTCTAGA[ATGTGTC>A]TGTGAAAACTACAAGCTGGCCGTAAACTGCTTTGTGAATAATAATCGTCAATGCCAGTGT-3'